The following is an entry in ClinVar:

NM_004370.6(COL12A1):c.9010+4G>C

Gene: COL12A1 (collagen type XII alpha 1 chain; minus strand). Cytogenetic location: 6q13.
Variant type: single nucleotide variant.
Coding change: c.9010+4G>C on transcript NM_004370.6 (MANE Select); 4 bases into the intron after coding-DNA position 9010, G replaced by C.
Molecular consequence: intron variant.
Genome position (GRCh38, 1-based): chr6:75,089,102, C>G on the plus strand (G>C on the coding strand, the complement: COL12A1 is on the minus strand). VCF-style: chr6-75089102-C-G. GRCh37 (hg19) VCF-style: chr6-75798818-C-G.
Other names: c.5518+4G>C (NM_080645.3).
Identifiers: ClinVar variation 1389960 (VCV001389960.6), dbSNP rs2149325295, ClinGen allele CA2573141211.

ClinVar aggregate classification (germline): Uncertain significance (1 of 4 stars; one submission).

Conditions:
Ullrich congenital muscular dystrophy 2 (UCMD2). Identifiers: Orphanet 75840, MedGen C4225314, MONDO:0014654, OMIM 616470.
Bethlem myopathy 2 (BTHLM2). Identifiers: Orphanet 536516, Orphanet 610, MedGen C4225313, MONDO:0034022, OMIM 616471.

Submission:

Labcorp Genetics (formerly Invitae), Labcorp
Classification: Uncertain significance for Bethlem myopathy 2; Ullrich congenital muscular dystrophy 2. Last evaluated: 2021-08-21. Review status: criteria provided, single submitter. Criteria: Invitae Variant Classification Sherloc (09022015). Collection method: clinical testing. Allele origin: germline.
Comment: This sequence change falls in intron 64 of the COL12A1 gene. It does not directly change the encoded amino acid sequence of the COL12A1 protein. It affects a nucleotide within the consensus splice site of the intron. This variant is not present in population databases (ExAC no frequency). This variant has not been reported in the literature in individuals affected with COL12A1-related conditions. Variants that disrupt the consensus splice site are a relatively common cause of aberrant splicing (PMID: 17576681, 9536098). Algorithms developed to predict the effect of sequence changes on RNA splicing suggest that this variant is not likely to affect RNA splicing. In summary, the available evidence is currently insufficient to determine the role of this variant in disease. Therefore, it has been classified as a Variant of Uncertain Significance.

Literature cited by the submitters: PubMed 17576681; PubMed 9536098.